The following is an entry in ClinVar:

NM_002485.5(NBN):c.1613A>T (p.Lys538Ile)

Gene: NBN (nibrin; minus strand). Cytogenetic location: 8q21.3.
Variant type: single nucleotide variant.
Coding change: c.1613A>T on transcript NM_002485.5 (MANE Select); coding-DNA position 1613, A replaced by T.
Protein change: p.Lys538Ile; replaces lysine 538 with isoleucine.
Molecular consequence: missense variant.
Genome position (GRCh38, 1-based): chr8:89,953,476, T>A on the plus strand (A>T on the coding strand, the complement: NBN is on the minus strand). VCF-style: chr8-89953476-T-A. GRCh37 (hg19) VCF-style: chr8-90965704-T-A.
Other names: c.1367A>T, p.Lys456Ile (NM_001024688.3); short protein forms K538I, K456I.
Identifiers: ClinVar variation 954616 (VCV000954616.8), dbSNP rs1810545480, ClinGen allele CA371655477.
Genomic context (GRCh38, chr8:89,953,476, plus strand): 5'-ATGGCCACATCATCCATTTCCCTTTTTTTATTTGATCTTAGCTTTTCTGCAGCATGAGAT[T>A]TACTGGCAGAATTTTTCACAATAGATTTTAAATCTGTATCTGTAAATAAGTTATTGTCTG-3'
Protein context (NP_002476.2, residues 528-548): LKSIVKNSAS[Lys538Ile]SHAAEKLRSN

ClinVar aggregate classification (germline): Uncertain significance. Review status: criteria provided, multiple submitters, no conflicts (2 of 4 stars). 2 submissions from 2 submitters: Uncertain significance (2). Last evaluated 2025-09-28.

Conditions:
Microcephaly, normal intelligence and immunodeficiency (NBS). Also called: IMMUNODEFICIENCY, MICROCEPHALY, AND CHROMOSOMAL INSTABILITY; Ataxia telangiectasia variant V1; SEEMANOVA SYNDROME II; BERLIN BREAKAGE SYNDROME; Nijmegen breakage syndrome; Microcephaly with normal intelligence immunodeficiency and lymphoreticular malignancies. Identifiers: Orphanet 647, MedGen C0398791, MONDO:0009623, OMIM 251260.
Hereditary cancer-predisposing syndrome. Also called: Hereditary neoplastic syndrome; Tumor predisposition; Neoplastic Syndromes, Hereditary; Hereditary Cancer Syndrome. Identifiers: Orphanet 140162, MedGen C0027672, MeSH D009386, MONDO:0015356.

Allele frequency attached by ClinVar (database versions not stated): gnomAD exomes below 0.00001.
gnomAD v4.1: 1 of 1,613,730 alleles (0.000062%); highest among the groups gnomAD compares: Non-Finnish European, 0.000085%; no homozygotes.

Submissions (2):

Ambry Genetics
Classification: Uncertain significance for Hereditary cancer-predisposing syndrome. Last evaluated: 2025-09-28. Review status: criteria provided, single submitter. Criteria: Ambry Variant Classification Scheme 2023. Collection method: clinical testing. Allele origin: germline.
Comment: The p.K538I variant (also known as c.1613A>T), located in coding exon 11 of the NBN gene, results from an A to T substitution at nucleotide position 1613. The lysine at codon 538 is replaced by isoleucine, an amino acid with dissimilar properties. This amino acid position is conserved. In addition, this alteration is predicted to be tolerated by in silico analysis. Based on the available evidence, the clinical significance of this variant remains unclear.

Labcorp Genetics (formerly Invitae), Labcorp
Classification: Uncertain significance for Microcephaly, normal intelligence and immunodeficiency. Last evaluated: 2021-08-28. Review status: criteria provided, single submitter. Criteria: Invitae Variant Classification Sherloc (09022015). Collection method: clinical testing. Allele origin: germline.
Comment: This sequence change replaces lysine with isoleucine at codon 538 of the NBN protein (p.Lys538Ile). The lysine residue is moderately conserved and there is a moderate physicochemical difference between lysine and isoleucine. This variant is not present in population databases (ExAC no frequency). This variant has not been reported in the literature in individuals affected with NBN-related conditions. Algorithms developed to predict the effect of missense changes on protein structure and function are either unavailable or do not agree on the potential impact of this missense change (SIFT: "Deleterious"; PolyPhen-2: "Benign"; Align-GVGD: "Class C0"). In summary, the available evidence is currently insufficient to determine the role of this variant in disease. Therefore, it has been classified as a Variant of Uncertain Significance.